The following is an entry in ClinVar:

NM_012154.5(AGO2):c.1115C>T (p.Ala372Val)

Gene: AGO2 (argonaute RISC catalytic component 2; minus strand). Cytogenetic location: 8q24.3.
Variant type: single nucleotide variant.
Coding change: c.1115C>T on transcript NM_012154.5 (MANE Select); coding-DNA position 1115, C replaced by T.
Protein change: p.Ala372Val; replaces alanine 372 with valine.
Molecular consequence: missense variant.
Genome position (GRCh38, 1-based): chr8:140,556,198, G>A on the plus strand (C>T on the coding strand, the complement: AGO2 is on the minus strand). VCF-style: chr8-140556198-G-A. GRCh37 (hg19) VCF-style: chr8-141566297-G-A.
Other names: c.1115C>T, p.Ala372Val (NM_001164623.3); short protein forms A372V.
Identifiers: ClinVar variation 3372205 (VCV003372205.11).

ClinVar aggregate classification (germline): Uncertain significance. Review status: criteria provided, multiple submitters, no conflicts (2 of 4 stars). 2 submissions from 2 submitters: Uncertain significance (2). Last evaluated 2025-05-01.

Submissions (2):

CeGaT Center for Human Genetics Tuebingen
Classification: Uncertain significance. Last evaluated: 2025-05-01. Review status: criteria provided, single submitter. Criteria: CeGaT Center For Human Genetics Tuebingen Variant Classification Criteria Version 2. Collection method: clinical testing. Allele origin: germline. Affected: yes. Observed: 1 variant allele.
Comment: AGO2: PM2, PP2

GeneDx
Classification: Uncertain significance. Last evaluated: 2024-04-15. Review status: criteria provided, single submitter. Criteria: GeneDx Variant Classification Process June 2021. Collection method: clinical testing. Allele origin: germline. Affected: yes.
Comment: Not observed at significant frequency in large population cohorts (gnomAD); In silico analysis supports that this missense variant has a deleterious effect on protein structure/function; Has not been previously published as pathogenic or benign to our knowledge